The following is an entry in ClinVar:

NM_001079802.2(FKTN):c.278C>T (p.Thr93Ile)

Gene: FKTN (fukutin; plus strand). Cytogenetic location: 9q31.2.
Variant type: single nucleotide variant.
Coding change: c.278C>T on transcript NM_001079802.2 (MANE Select); coding-DNA position 278, C replaced by T.
Protein change: p.Thr93Ile; replaces threonine 93 with isoleucine.
Molecular consequence: missense variant. On other transcripts: 5 prime UTR variant (4), non-coding transcript variant (2).
Genome position (GRCh38, 1-based): chr9:105,601,257, C>T. VCF-style: chr9-105601257-C-T. GRCh37 (hg19) VCF-style: chr9-108363538-C-T.
Other names: c.278C>T, p.Thr93Ile (NM_001198963.2, NM_001351496.2, NM_001351498.2 and 1 more transcripts); c.209C>T, p.Thr70Ile (NM_001351497.2); c.-237C>T (NM_001351499.2, NM_001351500.2, NM_001351501.2 and 1 more transcripts); short protein forms T93I, T70I.
Identifiers: ClinVar variation 1796017 (VCV001796017.7), dbSNP rs1346912007, ClinGen allele CA374331643.
Genomic context (GRCh38, chr9:105,601,257, plus strand): 5'-TTCTTATTGATCCTTTGATACTGGAATTGATTAATAAGAACTTTGAACAAGTCAAAAATA[C>T]TTCTCATGGCTCTACTTCACAATGCAAGTTTTTCTGTGTTCCAAGAGACTTTACTGCATT-3'
Protein context (NP_001073270.1, residues 83-103): INKNFEQVKN[Thr93Ile]SHGSTSQCKF

ClinVar aggregate classification (germline): Uncertain significance. Review status: criteria provided, multiple submitters, no conflicts (2 of 4 stars). 4 submissions from 4 submitters: Uncertain significance (4). Last evaluated 2026-03-25.

Conditions:
Walker-Warburg congenital muscular dystrophy. Also called: Muscular dystrophy-dystroglycanopathy, type A; Walker-Warburg syndrome. Identifiers: Orphanet 899, MedGen C0265221, MONDO:0000171.
Cardiovascular phenotype. Identifiers: MedGen CN230736.

Allele frequency attached by ClinVar (database versions not stated): gnomAD exomes 0.00001; TOPMed 0.00001; gnomAD 0.00002.
gnomAD v4.1: 14 of 1,612,166 alleles (0.00087%); highest among the groups gnomAD compares: Non-Finnish European, 0.0012%; no homozygotes.

Submissions (4):

GeneDx
Classification: Uncertain significance. Last evaluated: 2026-03-25. Review status: criteria provided, single submitter. Criteria: GeneDx Variant Classification Process June 2021. Collection method: clinical testing. Allele origin: germline.
Comment: Not observed at significant frequency in large population cohorts (gnomAD); In silico analysis suggests that this missense variant does not alter protein structure/function; Has not been previously published as pathogenic or benign to our knowledge

Women's Health and Genetics/Laboratory Corporation of America, LabCorp
Classification: Uncertain significance. Last evaluated: 2024-12-20. Review status: criteria provided, single submitter. Criteria: LabCorp Variant Classification Summary - May 2015. Collection method: clinical testing. Allele origin: germline.

Ambry Genetics
Classification: Uncertain significance for Cardiovascular phenotype. Last evaluated: 2024-06-26. Review status: criteria provided, single submitter. Criteria: Ambry Variant Classification Scheme 2023. Collection method: clinical testing. Allele origin: germline.

Labcorp Genetics (formerly Invitae), Labcorp
Classification: Uncertain significance for Walker-Warburg congenital muscular dystrophy. Last evaluated: 2022-06-01. Review status: criteria provided, single submitter. Criteria: Invitae Variant Classification Sherloc (09022015). Collection method: clinical testing. Allele origin: germline.
Comment: This sequence change replaces threonine, which is neutral and polar, with isoleucine, which is neutral and non-polar, at codon 93 of the FKTN protein (p.Thr93Ile). This variant is present in population databases (no rsID available, gnomAD 0.007%). This variant has not been reported in the literature in individuals affected with FKTN-related conditions. Algorithms developed to predict the effect of missense changes on protein structure and function output the following: SIFT: "Tolerated"; PolyPhen-2: "Benign"; Align-GVGD: "Class C0". The isoleucine amino acid residue is found in multiple mammalian species, which suggests that this missense change does not adversely affect protein function. In summary, the available evidence is currently insufficient to determine the role of this variant in disease. Therefore, it has been classified as a Variant of Uncertain Significance.